The following is an entry in ClinVar:

ClinVar aggregate classification (germline): Uncertain significance. Review status: criteria provided, multiple submitters, no conflicts (2 of 4 stars). 4 submissions from 4 submitters: Uncertain significance (4). Last evaluated 2025-09-13.

Conditions:
Cardiovascular phenotype. Identifiers: MedGen CN230736.
Noonan syndrome 8 (NS8). Identifiers: Orphanet 648, MedGen C3809233, MONDO:0014143, OMIM 615355.

Allele frequency attached by ClinVar (database versions not stated): gnomAD exomes 0.00001; TOPMed 0.00001; ExAC 0.00002.
gnomAD v4.1: 5 of 1,614,104 alleles (0.00031%); highest among the groups gnomAD compares: Non-Finnish European, 0.00042%; no homozygotes.

Submissions (4):

Labcorp Genetics (formerly Invitae), Labcorp
Classification: Uncertain significance for Noonan syndrome 8. Last evaluated: 2025-09-13. Review status: criteria provided, single submitter. Criteria: Invitae Variant Classification Sherloc (09022015). Collection method: clinical testing. Allele origin: germline.
Comment: This sequence change replaces arginine, which is basic and polar, with glutamine, which is neutral and polar, at codon 180 of the RIT1 protein (p.Arg180Gln). This variant is present in population databases (rs760845441, gnomAD 0.002%). This variant has not been reported in the literature in individuals affected with RIT1-related conditions. ClinVar contains an entry for this variant (Variation ID: 372925). Invitae Evidence Modeling of protein sequence and biophysical properties (such as structural, functional, and spatial information, amino acid conservation, physicochemical variation, residue mobility, and thermodynamic stability) indicates that this missense variant is not expected to disrupt RIT1 protein function with a negative predictive value of 95%. Algorithms developed to predict the effect of sequence changes on RNA splicing suggest that this variant may create or strengthen a splice site. In summary, the available evidence is currently insufficient to determine the role of this variant in disease. Therefore, it has been classified as a Variant of Uncertain Significance.

Genome-Nilou Lab
Classification: Uncertain significance for Noonan syndrome 8. Last evaluated: 2023-04-11. Review status: criteria provided, single submitter. Criteria: ACMG Guidelines, 2015. Collection method: clinical testing. Allele origin: germline. Affected: no.

Ambry Genetics
Classification: Uncertain significance for Cardiovascular phenotype. Last evaluated: 2022-04-22. Review status: criteria provided, single submitter. Criteria: Ambry Variant Classification Scheme 2023. Collection method: clinical testing. Allele origin: germline.

GeneDx
Classification: Uncertain significance. Last evaluated: 2016-03-02. Review status: criteria provided, single submitter. Criteria: GeneDx Variant Classification (06012015). Collection method: clinical testing. Allele origin: germline. Affected: yes.
Comment: The R180Q variant has not been published as a pathogenic variant, nor has it been reported as a benign variant to our knowledge. R180Q was not observed in approximately 6500 individuals of European and African American ancestry in the NHLBI Exome Sequencing Project, indicating it is not a common benign variant in these populations. The R180Q variant is a semi-conservative amino acid substitution, which may impact secondary protein structure as these residues differ in some properties. This substitution occurs at a position that is conserved across species, and in silico analysis predicts this variant is probably damaging to the protein structure/function. However, R180Q is not located in a known functional area of the RIT1 gene and there are no similar variants reported in nearby residues (Stenson et al., 2014). Therefore, based on the currently available information, it is unclear whether this variant is a pathogenic variant or a rare benign variant.

NM_006912.6(RIT1):c.539G>A (p.Arg180Gln)

Gene: RIT1 (Ras like without CAAX 1; minus strand). Cytogenetic location: 1q22.
Variant type: single nucleotide variant.
Coding change: c.539G>A on transcript NM_006912.6 (MANE Select); coding-DNA position 539, G replaced by A.
Protein change: p.Arg180Gln; replaces arginine 180 with glutamine.
Molecular consequence: missense variant.
Genome position (GRCh38, 1-based): chr1:155,900,509, C>T on the plus strand (G>A on the coding strand, the complement: RIT1 is on the minus strand). VCF-style: chr1-155900509-C-T. GRCh37 (hg19) VCF-style: chr1-155870300-C-T.
Other names: c.539G>A, p.Arg180Gln (LRG_1372t1); c.539G>A (NM_006912.4); c.431G>A, p.Arg144Gln (NM_001256820.2); c.590G>A, p.Arg197Gln (NM_001256821.2); short protein forms R180Q, R197Q, R144Q.
Identifiers: ClinVar variation 372925 (VCV000372925.8), dbSNP rs760845441, ClinGen allele CA1151775.